The following is an entry in ClinVar:

ClinVar aggregate classification (germline): Likely pathogenic. Review status: criteria provided, single submitter (1 of 4 stars). 2 submissions from 2 submitters: Likely pathogenic (1). 1 of the submissions does not count toward it. Last evaluated 2014-07-03.

Conditions:
Very long chain acyl-CoA dehydrogenase deficiency (ACADVLD). Also called: Very Long-Chain Acyl-Coenzyme A Dehydrogenase Deficiency; VLCAD Deficiency. Identifiers: Orphanet 26793, MedGen C3887523, MONDO:0008723, OMIM 201475.

Allele frequency attached by ClinVar (database versions not stated): gnomAD exomes below 0.00001.
gnomAD v4.1: 1 of 1,614,158 alleles (0.000062%); highest among the groups gnomAD compares: Non-Finnish European, 0.000085%; no homozygotes.

Submissions (2):

GeneDx
Classification: Likely pathogenic. Last evaluated: 2014-07-03. Review status: criteria provided, single submitter. Criteria: GeneDx Variant Classification (06012015). Collection method: clinical testing. Allele origin: germline. Affected: yes.
Comment: p.Ala161Val (GCC>GTC): c.482 C>T in exon 7 of the ACADVL gene (NM_000018.2). A161V variant that is likely pathogenic was identified in the ACADVL gene. It has not been published as a mutation, nor has it been reported as a benign polymorphism to our knowledge. The A161V variant is a conservative amino acid substitution, which is not likely to impact secondary protein structure as these residues share similar properties. However, this substitution occurs at a position that is highly conserved across species, and in silico analysis predicts this variant is probably damaging to the protein structure/function. Furthermore, a missense mutation at the same residue (A161T) and in nearby residues (G152D, T158N, Q159R, R162H, V164G) have been reported in association with VLCAD deficiency, supporting the functional importance of this region of the protein. Therefore, this variant is a strong candidate for a pathogenic mutation, however the possibility that it is a benign variant cannot be excluded. The variant is found in FAO-MET panel(s).

Counsyl
Classification: Uncertain significance for Very long chain acyl-CoA dehydrogenase deficiency. Last evaluated: 2018-05-16. Review status: no assertion criteria provided. Collection method: clinical testing. Allele origin: unknown. Not counted in ClinVar's aggregate classification.

NM_000018.4(ACADVL):c.482C>T (p.Ala161Val)

Gene: ACADVL (acyl-CoA dehydrogenase very long chain; plus strand). Cytogenetic location: 17p13.1.
Variant type: single nucleotide variant.
Coding change: c.482C>T on transcript NM_000018.4 (MANE Select); coding-DNA position 482, C replaced by T.
Protein change: p.Ala161Val; replaces alanine 161 with valine.
Molecular consequence: missense variant.
Genome position (GRCh38, 1-based): chr17:7,221,542, C>T. VCF-style: chr17-7221542-C-T. GRCh37 (hg19) VCF-style: chr17-7124861-C-T.
Other names: p.A161V:GCC>GTC; c.416C>T, p.Ala139Val (NM_001033859.3); c.551C>T, p.Ala184Val (NM_001270447.2); c.254C>T, p.Ala85Val (NM_001270448.2); short protein forms A161V, A184V, A139V, A85V.
Identifiers: ClinVar variation 203572 (VCV000203572.3), dbSNP rs796051908, ClinGen allele CA312251.